The following is an entry in ClinVar:

NM_013276.4(SHPK):c.1174G>A (p.Asp392Asn)

Gene: SHPK (sedoheptulokinase; minus strand). Cytogenetic location: 17p13.2.
Variant type: single nucleotide variant.
Coding change: c.1174G>A on transcript NM_013276.4 (MANE Select); coding-DNA position 1174, G replaced by A.
Protein change: p.Asp392Asn; replaces aspartic acid 392 with asparagine.
Molecular consequence: missense variant.
Genome position (GRCh38, 1-based): chr17:3,610,823, C>T on the plus strand (G>A on the coding strand, the complement: SHPK is on the minus strand). VCF-style: chr17-3610823-C-T. GRCh37 (hg19) VCF-style: chr17-3514117-C-T.
Other names: c.1174G>A (NM_013276.2); short protein forms D392N.
Identifiers: ClinVar variation 1906803 (VCV001906803.6), dbSNP rs760436711, ClinGen allele CA8291085.

ClinVar aggregate classification (germline): Uncertain significance. Review status: criteria provided, multiple submitters, no conflicts (2 of 4 stars). 2 submissions from 2 submitters: Uncertain significance (2). Last evaluated 2024-01-04.

Allele frequency attached by ClinVar (database versions not stated): ExAC 0.00001; gnomAD 0.00001; gnomAD exomes 0.00002; TOPMed 0.00003.

Submissions (2):

Ambry Genetics
Classification: Uncertain significance. Last evaluated: 2024-01-04. Review status: criteria provided, single submitter. Criteria: Ambry Variant Classification Scheme 2023. Collection method: clinical testing. Allele origin: germline.

Labcorp Genetics (formerly Invitae), Labcorp
Classification: Uncertain significance. Last evaluated: 2022-05-03. Review status: criteria provided, single submitter. Criteria: Invitae Variant Classification Sherloc (09022015). Collection method: clinical testing. Allele origin: germline.
Comment: In summary, the available evidence is currently insufficient to determine the role of this variant in disease. Therefore, it has been classified as a Variant of Uncertain Significance. Algorithms developed to predict the effect of missense changes on protein structure and function output the following: SIFT: "Tolerated"; PolyPhen-2: "Benign"; Align-GVGD: "Class C0". The asparagine amino acid residue is found in multiple mammalian species, which suggests that this missense change does not adversely affect protein function. This variant has not been reported in the literature in individuals affected with SHPK-related conditions. This variant is present in population databases (rs760436711, gnomAD 0.006%). This sequence change replaces aspartic acid, which is acidic and polar, with asparagine, which is neutral and polar, at codon 392 of the SHPK protein (p.Asp392Asn).